The following is an entry in ClinVar:

NM_152269.5(MTRFR):c.405G>A (p.Ala135=)

Gene: MTRFR (mitochondrial translation release factor in rescue; plus strand). Cytogenetic location: 12q24.31.
Variant type: single nucleotide variant.
Coding change: c.405G>A on transcript NM_152269.5 (MANE Select); coding-DNA position 405, G replaced by A.
Protein change: p.Ala135=; no amino-acid change (alanine 135 retained).
Molecular consequence: synonymous variant.
Genome position (GRCh38, 1-based): chr12:123,256,935, G>A. VCF-style: chr12-123256935-G-A. GRCh37 (hg19) VCF-style: chr12-123741482-G-A.
Other names: c.405G>A, p.Ala135= (NM_001143905.2, NM_001194995.1); c.405G>A (NM_152269.4).
Identifiers: ClinVar variation 1681662 (VCV001681662.10), dbSNP rs941522491, ClinGen allele CA245129803.
Genomic context (GRCh38, chr12:123,256,935, plus strand): 5'-AGTAGATGTTTTCTACAATGGTGAAAACAGTCCTGTTCACAAAGAAAAACGAGAAGCGGC[G>A]AAGAAAAAACAAGAAAGGAAAAAAAGAGCAAAGGAAACCCTGGAAAAAAAGAAGCTACTT-3'
Protein context (NP_689482.1, residues 125-145): SPVHKEKREA[Ala135=]KKKQERKKRA

ClinVar aggregate classification (germline): Likely benign. Review status: criteria provided, single submitter (1 of 4 stars). 2 submissions from 2 submitters: Likely benign (1). 1 of the submissions does not count toward it. Last evaluated 2022-06-11.

Conditions:
MTRFR-related disorder. Also called: MTRFR-related condition.
Combined oxidative phosphorylation defect type 7. Identifiers: Orphanet 254930, MedGen C3150801, MONDO:0013306, OMIM 613559.
Spastic paraplegia. Identifiers: MedGen C0037772, HP:0001258.

Allele frequency attached by ClinVar (database versions not stated): gnomAD exomes 0.00001; gnomAD 0.00002; TOPMed 0.00003.
gnomAD v4.1: 13 of 1,613,262 alleles (0.00081%); highest among the groups gnomAD compares: African/African-American, 0.004%; no homozygotes.

Submissions (2):

Labcorp Genetics (formerly Invitae), Labcorp
Classification: Likely benign for Combined oxidative phosphorylation defect type 7; Spastic paraplegia. Last evaluated: 2022-06-11. Review status: criteria provided, single submitter. Criteria: Invitae Variant Classification Sherloc (09022015). Collection method: clinical testing. Allele origin: germline.

PreventionGenetics, part of Exact Sciences
Classification: Likely benign for MTRFR-related condition. Last evaluated: 2021-10-05. Review status: no assertion criteria provided. Collection method: clinical testing. Allele origin: germline. Not counted in ClinVar's aggregate classification.
Comment: This variant is classified as likely benign based on ACMG/AMP sequence variant interpretation guidelines (Richards et al. 2015 PMID: 25741868, with internal and published modifications).